The following is an entry in ClinVar:

ClinVar aggregate classification (germline): Conflicting classifications of pathogenicity. Review status: criteria provided, conflicting classifications (1 of 4 stars). 3 submissions from 3 submitters: Pathogenic (1); Likely pathogenic (1); Uncertain significance (1). Last evaluated 2025-02-24.

Conditions:
Arthrogryposis multiplex congenita 6. Identifiers: MedGen C5543431, MONDO:0030281, OMIM 619334.
Nemaline myopathy 2 (NEM2). Also called: Nemaline myopathy 2, autosomal recessive. Identifiers: MedGen C1850569, MONDO:0009725, OMIM 256030.
Nemaline myopathy. Also called: Myopathies, Nemaline. Identifiers: Orphanet 607, MedGen C0206157, MONDO:0018958.

Submissions (3):

Broad Center for Mendelian Genomics, Broad Institute of MIT and Harvard
Classification: Uncertain significance for Nemaline myopathy. Last evaluated: 2025-02-24. Review status: criteria provided, single submitter. Criteria: ACMG Guidelines, 2015. Collection method: curation. Allele origin: germline. Inheritance: Autosomal recessive inheritance.
Comment: The p.Tyr8422Ter (also known as p.Tyr8477Ter) variant in NEB has not been previously reported in the literature in individuals with nemaline myopathy, but has been identified in 0.000085% (1/1179838) of European (non-Finnish) chromosomes by the Genome Aggregation Database (gnomAD; dbSNP ID: rs2152620357). Although this variant has been seen in the general population in a heterozygous state, its frequency is low enough to be consistent with a recessive carrier frequency. This variant has also been reported in ClinVar (Variation ID: 1452141) and has been interpreted as pathogenic by Invitae and likely pathogenic by Baylor Genetics. This variant is predicted to cause a frameshift, which alters the protein‚Äôs amino acid sequence beginning at position 8422 and leads to a premature termination codon within the same amino acid. This termination codon occurs within the last exon and is more likely to escape nonsense mediated decay (NMD) and result in a truncated protein. Loss of function of the NEB gene is an established disease mechanism in autosomal recessive nemaline myopathy. In summary, the clinical significance of the p.Tyr8422Ter variant is uncertain. ACMG/AMP Criteria applied: PVS1_moderate, PM2_supporting (Richards 2015).

Baylor Genetics
Classification: Likely pathogenic for Arthrogryposis multiplex congenita 6. Last evaluated: 2023-03-30. Review status: criteria provided, single submitter. Criteria: ACMG Guidelines, 2015. Collection method: clinical testing. Allele origin: unknown.

Labcorp Genetics (formerly Invitae), Labcorp
Classification: Pathogenic for Nemaline myopathy 2. Last evaluated: 2021-09-04. Review status: criteria provided, single submitter. Criteria: Invitae Variant Classification Sherloc (09022015). Collection method: clinical testing. Allele origin: germline.
Comment: This sequence change creates a premature translational stop signal (p.Tyr8512*) in the NEB gene. It is expected to result in an absent or disrupted protein product. Loss-of-function variants in NEB are known to be pathogenic (PMID: 25205138). This variant is not present in population databases (ExAC no frequency). This variant has not been reported in the literature in individuals affected with NEB-related conditions. For these reasons, this variant has been classified as Pathogenic.

Literature cited by the submitters: PubMed 25205138 (cited by Labcorp Genetics (formerly Invitae), Labcorp).

NM_001164508.2(NEB):c.25426_25429dup (p.Tyr8477Ter)

Genes: NEB (nebulin; minus strand), RIF1 (replication timing regulatory factor 1; plus strand). Cytogenetic location: 2q23.3.
Variant type: Duplication.
Coding change: c.25426_25429dup on transcript NM_001164508.2 (MANE Select); coding-DNA positions 25426 to 25429, 4 bases duplicated (GACT; older notation c.25426_25429dupGACT).
Protein change: p.Tyr8477Ter; replaces tyrosine 8477 with a stop codon.
Molecular consequence: nonsense.
Genome position (GRCh38, 1-based): chr2:151,485,909-151,485,912, AGTC duplicated on the plus strand (GACT on the coding strand, the reverse complement: NEB is on the minus strand); duplicating any 4 consecutive bases within chr2:151,485,909-151,485,913 gives the same sequence; the c. name uses the placement nearest the transcript's 3' end. VCF-style (leftmost placement, unchanged base first): chr2-151485908-T-TAGTC. GRCh37 (hg19) VCF-style: chr2-152342422-T-TAGTC.
Other names: NM_001164508.2(NEB):c.25426_25429dup; p.Tyr8477Ter; c.25426_25429dup, p.Tyr8477Ter (NM_001164507.2); c.25531_25534dup, p.Tyr8512Ter (NM_001271208.2); c.19858_19861dup, p.Tyr6621Ter (NM_004543.5); c.25531_25534dup (NM_001271208.1); short protein forms Y8512*, Y6621*, Y8477*.
Identifiers: ClinVar variation 1452141 (VCV001452141.3), dbSNP rs2152620357, ClinGen allele CA2573133025.